The following is an entry in ClinVar:

ClinVar aggregate classification (germline): Uncertain significance (1 of 4 stars; one submission).

Conditions:
Microcephaly, normal intelligence and immunodeficiency (NBS). Also called: Nijmegen breakage syndrome; Microcephaly with normal intelligence immunodeficiency and lymphoreticular malignancies; Nonsyndromal microcephaly autosomal recessive with normal intelligence; Seemanova syndrome 2; Immunodeficiency, microcephaly with normal intelligence; Ataxia telangiectasia variant V1. Identifiers: Orphanet 647, MedGen C0398791, MONDO:0009623, OMIM 251260.

Allele frequency attached by ClinVar (database versions not stated): gnomAD exomes below 0.00001; TOPMed below 0.00001.
gnomAD v4.1: 1 of 1,613,656 alleles (0.000062%); highest among the groups gnomAD compares: Admixed American, 0.0017%; no homozygotes.

Submission:

Labcorp Genetics (formerly Invitae), Labcorp
Classification: Uncertain significance for Microcephaly, normal intelligence and immunodeficiency. Last evaluated: 2022-03-14. Review status: criteria provided, single submitter. Criteria: Invitae Variant Classification Sherloc (09022015). Collection method: clinical testing. Allele origin: germline.
Comment: This sequence change replaces threonine, which is neutral and polar, with isoleucine, which is neutral and non-polar, at codon 319 of the NBN protein (p.Thr319Ile). This variant is present in population databases (no rsID available, gnomAD 0.003%). This variant has not been reported in the literature in individuals affected with NBN-related conditions. Algorithms developed to predict the effect of missense changes on protein structure and function (SIFT, PolyPhen-2, Align-GVGD) all suggest that this variant is likely to be tolerated. In summary, the available evidence is currently insufficient to determine the role of this variant in disease. Therefore, it has been classified as a Variant of Uncertain Significance.

NM_002485.5(NBN):c.956C>T (p.Thr319Ile)

Gene: NBN (nibrin; minus strand). Cytogenetic location: 8q21.3.
Variant type: single nucleotide variant.
Coding change: c.956C>T on transcript NM_002485.5 (MANE Select); coding-DNA position 956, C replaced by T.
Protein change: p.Thr319Ile; replaces threonine 319 with isoleucine.
Molecular consequence: missense variant.
Genome position (GRCh38, 1-based): chr8:89,964,448, G>A on the plus strand (C>T on the coding strand, the complement: NBN is on the minus strand). VCF-style: chr8-89964448-G-A. GRCh37 (hg19) VCF-style: chr8-90976676-G-A.
Other names: c.710C>T, p.Thr237Ile (NM_001024688.3); short protein forms T237I, T319I.
Identifiers: ClinVar variation 2111370 (VCV002111370.4), dbSNP rs1191959691, ClinGen allele CA371656953.